The following is an entry in ClinVar:

ClinVar aggregate classification (germline): Uncertain significance (1 of 4 stars; one submission).

Allele frequency attached by ClinVar (database versions not stated): 1000 Genomes Project 30x 0.00016; 1000 Genomes Project 0.00020.
gnomAD v4.1: 8 of 1,613,950 alleles (0.0005%); highest among the groups gnomAD compares: African/African-American, 0.011%; no homozygotes.

Submission:

GeneDx
Classification: Uncertain significance. Last evaluated: 2021-04-28. Review status: criteria provided, single submitter. Criteria: GeneDx Variant Classification Process June 2021. Collection method: clinical testing. Allele origin: germline. Affected: yes.
Comment: Not observed at a significant frequency in large population cohorts (Lek et al., 2016); In silico analysis supports that this missense variant does not alter protein structure/function; In silico analysis, which includes splice predictors and evolutionary conservation, suggests this variant may impact gene splicing. In the absence of RNA/functional studies, the actual effect of this sequence change is unknown.; Has not been previously published as pathogenic or benign to our knowledge

NM_013382.7(POMT2):c.1721A>T (p.Tyr574Phe)

Gene: POMT2 (protein O-mannosyltransferase 2; minus strand). Cytogenetic location: 14q24.3.
Variant type: single nucleotide variant.
Coding change: c.1721A>T on transcript NM_013382.7 (MANE Select); coding-DNA position 1721, A replaced by T.
Protein change: p.Tyr574Phe; replaces tyrosine 574 with phenylalanine.
Molecular consequence: missense variant.
Genome position (GRCh38, 1-based): chr14:77,280,396, T>A on the plus strand (A>T on the coding strand, the complement: POMT2 is on the minus strand). VCF-style: chr14-77280396-T-A. GRCh37 (hg19) VCF-style: chr14-77746739-T-A.
Other names: short protein forms Y574F.
Identifiers: ClinVar variation 1314784 (VCV001314784.2), dbSNP rs142870987, ClinGen allele CA7285751.
Genomic context (GRCh38, chr14:77,280,396, plus strand): 5'-CCCTGCTCTTGTTCTTGGCTCCATTTCCTGGGAGGAGCCCCAGCCTTGGATCCTACCTGA[T>A]AGTTGATAGGCCAGTGCCAGGGTTTGGACGTGAACTCATTGTCCTTGGGTTTGAGGCCAC-3'
Protein context (NP_037514.2, residues 564-584): TSKPWHWPIN[Tyr574Phe]QGLRFSGVND